The following is an entry in ClinVar:

NM_004667.6(HERC2):c.7681G>A (p.Asp2561Asn)

Gene: HERC2 (HECT and RLD domain containing E3 ubiquitin protein ligase 2; minus strand). Cytogenetic location: 15q13.1.
Variant type: single nucleotide variant.
Coding change: c.7681G>A on transcript NM_004667.6 (MANE Select); coding-DNA position 7681, G replaced by A.
Protein change: p.Asp2561Asn; replaces aspartic acid 2561 with asparagine.
Molecular consequence: missense variant.
Genome position (GRCh38, 1-based): chr15:28,201,491, C>T on the plus strand (G>A on the coding strand, the complement: HERC2 is on the minus strand). VCF-style: chr15-28201491-C-T. GRCh37 (hg19) VCF-style: chr15-28446637-C-T.
Other names: short protein forms D2561N.
Identifiers: ClinVar variation 4773037 (VCV004773037.1).

ClinVar aggregate classification (germline): Uncertain significance (1 of 4 stars; one submission).

gnomAD v4.1: 1 of 1,612,350 alleles (0.000062%); no homozygotes.

Submission:

Labcorp Genetics (formerly Invitae), Labcorp
Classification: Uncertain significance. Last evaluated: 2025-11-04. Review status: criteria provided, single submitter. Criteria: Invitae Variant Classification Sherloc (09022015). Collection method: clinical testing. Allele origin: germline.
Comment: This sequence change replaces aspartic acid, which is acidic and polar, with asparagine, which is neutral and polar, at codon 2561 of the HERC2 protein (p.Asp2561Asn). This variant is present in population databases (rs766860859, gnomAD 0.01%). This variant has not been reported in the literature in individuals affected with HERC2-related conditions. Invitae Evidence Modeling of protein sequence and biophysical properties (such as structural, functional, and spatial information, amino acid conservation, physicochemical variation, residue mobility, and thermodynamic stability) indicates that this missense variant is expected to disrupt HERC2 protein function with a positive predictive value of 80%. In summary, the available evidence is currently insufficient to determine the role of this variant in disease. Therefore, it has been classified as a Variant of Uncertain Significance.